The following is an entry in ClinVar:

NM_022725.4(FANCF):c.224del (p.Gly75fs)

Gene: FANCF (FA complementation group F; minus strand). Cytogenetic location: 11p14.3.
Variant type: Deletion.
Coding change: c.224del on transcript NM_022725.4 (MANE Select); coding-DNA position 224, one base deleted (G; older notation c.224delG).
Protein change: p.Gly75fs; shifts the reading frame from glycine 75.
Molecular consequence: frameshift variant.
Genome position (GRCh38, 1-based): chr11:22,625,587, C deleted on the plus strand (G on the coding strand, the reverse complement: FANCF is on the minus strand); the first of 4 consecutive C bases (chr11:22,625,587-22,625,590); deleting any one gives the same sequence. VCF-style (leftmost placement, unchanged base first): chr11-22625586-AC-A. GRCh37 (hg19) VCF-style: chr11-22647132-AC-A.
Other names: short protein forms G75fs.
Identifiers: ClinVar variation 4737422 (VCV004737422.1).

ClinVar aggregate classification (germline): Pathogenic (1 of 4 stars; one submission).

Conditions:
Fanconi anemia (FA). Also called: Fanconi's anemia. Identifiers: Orphanet 84, MedGen C0015625, MeSH D005199, MONDO:0019391.

Submission:

Labcorp Genetics (formerly Invitae), Labcorp
Classification: Pathogenic for Fanconi anemia. Last evaluated: 2025-03-19. Review status: criteria provided, single submitter. Criteria: Invitae Variant Classification Sherloc (09022015). Collection method: clinical testing. Allele origin: germline.
Comment: This sequence change creates a premature translational stop signal (p.Gly75Valfs*6) in the FANCF gene. While this is not anticipated to result in nonsense mediated decay, it is expected to disrupt the last 300 amino acid(s) of the FANCF protein. This variant is not present in population databases (gnomAD no frequency). This variant has not been reported in the literature in individuals affected with FANCF-related conditions. This variant disrupts a region of the FANCF protein in which other variant(s) (p.Leu162Aspfs*103) have been determined to be pathogenic (PMID: 10615118, 26033879, 27714961, 28102861). This suggests that this is a clinically significant region of the protein, and that variants that disrupt it are likely to be disease-causing. For these reasons, this variant has been classified as Pathogenic.

Literature cited by the submitters: PubMed 10615118; PubMed 26033879; PubMed 27714961; PubMed 28102861.